The following is an entry in ClinVar:

NM_001253697.2(ERBIN):c.1950T>G (p.Asn650Lys)

Gene: ERBIN (erbb2 interacting protein; plus strand). Cytogenetic location: 5q12.3.
Variant type: single nucleotide variant.
Coding change: c.1950T>G on transcript NM_001253697.2 (MANE Select); coding-DNA position 1950, T replaced by G.
Protein change: p.Asn650Lys; replaces asparagine 650 with lysine.
Molecular consequence: missense variant.
Genome position (GRCh38, 1-based): chr5:66,050,829, T>G. VCF-style: chr5-66050829-T-G. GRCh37 (hg19) VCF-style: chr5-65346657-T-G.
Other names: c.1950T>G, p.Asn650Lys (NM_001006600.3, NM_001253698.2, NM_001253699.2 and 1 more transcripts); c.1938T>G, p.Asn646Lys (NM_001253701.2); short protein forms N646K, N650K.
Identifiers: ClinVar variation 1349836 (VCV001349836.8), dbSNP rs1758944730, ClinGen allele CA359863802.

ClinVar aggregate classification (germline): Uncertain significance (1 of 4 stars; one submission).

Submission:

Labcorp Genetics (formerly Invitae), Labcorp
Classification: Uncertain significance. Last evaluated: 2021-05-12. Review status: criteria provided, single submitter. Criteria: Invitae Variant Classification Sherloc (09022015). Collection method: clinical testing. Allele origin: germline.
Comment: In summary, the available evidence is currently insufficient to determine the role of this variant in disease. Therefore, it has been classified as a Variant of Uncertain Significance. Algorithms developed to predict the effect of missense changes on protein structure and function are either unavailable or do not agree on the potential impact of this missense change (SIFT: "Deleterious"; PolyPhen-2: "Probably Damaging"; Align-GVGD: "Class C0"). This variant has not been reported in the literature in individuals with ERBIN-related conditions. This variant is not present in population databases (ExAC no frequency). This sequence change replaces asparagine with lysine at codon 650 of the ERBIN protein (p.Asn650Lys). The asparagine residue is moderately conserved and there is a moderate physicochemical difference between asparagine and lysine.